The following is an entry in ClinVar:

NM_001127222.2(CACNA1A):c.3400C>T (p.Pro1134Ser)

Gene: CACNA1A (calcium voltage-gated channel subunit alpha1 A; minus strand). Cytogenetic location: 19p13.13.
Variant type: single nucleotide variant.
Coding change: c.3400C>T on transcript NM_001127222.2 (MANE Select); coding-DNA position 3400, C replaced by T.
Protein change: p.Pro1134Ser; replaces proline 1134 with serine.
Molecular consequence: missense variant.
Genome position (GRCh38, 1-based): chr19:13,286,656, G>A on the plus strand (C>T on the coding strand, the complement: CACNA1A is on the minus strand). VCF-style: chr19-13286656-G-A. GRCh37 (hg19) VCF-style: chr19-13397470-G-A.
Other names: c.3412C>T, p.Pro1138Ser (NM_000068.4, NM_023035.3); c.3403C>T, p.Pro1135Ser (NM_001127221.2, NM_001174080.2); short protein forms P1134S, P1135S, P1138S.
Identifiers: ClinVar variation 3381532 (VCV003381532.1).

ClinVar aggregate classification (germline): Uncertain significance (1 of 4 stars; one submission).

Submission:

GeneDx
Classification: Uncertain significance. Last evaluated: 2024-05-20. Review status: criteria provided, single submitter. Criteria: GeneDx Variant Classification Process June 2021. Collection method: clinical testing. Allele origin: germline. Affected: yes.
Comment: Not observed at significant frequency in large population cohorts (gnomAD); In silico analysis supports that this missense variant has a deleterious effect on protein structure/function; Has not been previously published as pathogenic or benign to our knowledge